The following is an entry in ClinVar:

NM_182961.4(SYNE1):c.4388C>G (p.Thr1463Ser)

Gene: SYNE1 (spectrin repeat containing nuclear envelope protein 1; minus strand). Cytogenetic location: 6q25.2.
Variant type: single nucleotide variant.
Coding change: c.4388C>G on transcript NM_182961.4 (MANE Select); coding-DNA position 4388, C replaced by G.
Protein change: p.Thr1463Ser; replaces threonine 1463 with serine.
Molecular consequence: missense variant.
Genome position (GRCh38, 1-based): chr6:152,433,868, G>C on the plus strand (C>G on the coding strand, the complement: SYNE1 is on the minus strand). VCF-style: chr6-152433868-G-C. GRCh37 (hg19) VCF-style: chr6-152755003-G-C.
Other names: c.4409C>G, p.Thr1470Ser (NM_033071.5); short protein forms T1463S, T1470S.
Identifiers: ClinVar variation 1422509 (VCV001422509.6), dbSNP rs2154210826, ClinGen allele CA366143685.

ClinVar aggregate classification (germline): Uncertain significance (1 of 4 stars; one submission).

Conditions:
Emery-Dreifuss muscular dystrophy 4, autosomal dominant (EDMD4). Also called: EMERY-DREIFUSS MUSCULAR DYSTROPHY 4 WITH VARIABLE FEATURES. Identifiers: Orphanet 261, MedGen C2751807, MONDO:0013071, OMIM 612998.
Autosomal recessive ataxia, Beauce type. Also called: Spinocerebellar ataxia, autosomal recessive 8; ATAXIA, RECESSIVE, OF BEAUCE; SYNE1 Deficiency; SYNE1-Related Autosomal Recessive Cerebellar Ataxia. Identifiers: Orphanet 88644, MedGen C1853116, MONDO:0012549, OMIM 610743.

gnomAD v4.1: 2 of 1,613,798 alleles (0.00012%); highest among the groups gnomAD compares: Non-Finnish European, 0.000085%; no homozygotes.

Submission:

Labcorp Genetics (formerly Invitae), Labcorp
Classification: Uncertain significance for Emery-Dreifuss muscular dystrophy 4, autosomal dominant; Autosomal recessive ataxia, Beauce type. Last evaluated: 2021-10-23. Review status: criteria provided, single submitter. Criteria: Invitae Variant Classification Sherloc (09022015). Collection method: clinical testing. Allele origin: germline.
Comment: This sequence change replaces threonine with serine at codon 1470 of the SYNE1 protein (p.Thr1470Ser). The threonine residue is moderately conserved and there is a small physicochemical difference between threonine and serine. This variant is not present in population databases (ExAC no frequency). This variant has not been reported in the literature in individuals affected with SYNE1-related conditions. Algorithms developed to predict the effect of missense changes on protein structure and function (SIFT, PolyPhen-2, Align-GVGD) all suggest that this variant is likely to be tolerated. Algorithms developed to predict the effect of sequence changes on RNA splicing suggest that this variant may create or strengthen a splice site. In summary, the available evidence is currently insufficient to determine the role of this variant in disease. Therefore, it has been classified as a Variant of Uncertain Significance.